The following is an entry in ClinVar:

ClinVar aggregate classification (germline): Likely benign. Review status: criteria provided, multiple submitters, no conflicts (2 of 4 stars). 3 submissions from 3 submitters: Likely benign (2). 1 of the submissions does not count toward it. Last evaluated 2026-01-02.

Conditions:
NBAS-related disorder. Also called: NBAS-related condition.

Allele frequency attached by ClinVar (database versions not stated): ExAC 0.00002; gnomAD 0.00003 and 0.00004; TOPMed 0.00003; gnomAD exomes 0.00005.
gnomAD v4.1: 69 of 1,613,404 alleles (0.0043%); highest among the groups gnomAD compares: Non-Finnish European, 0.0058%; no homozygotes.

Submissions (3):

Labcorp Genetics (formerly Invitae), Labcorp
Classification: Likely benign. Last evaluated: 2026-01-02. Review status: criteria provided, single submitter. Criteria: Invitae Variant Classification Sherloc (09022015). Collection method: clinical testing. Allele origin: germline.

Blueprint Genetics
Classification: Likely benign. Last evaluated: 2024-11-11. Review status: criteria provided, single submitter. Criteria: ACMG Guidelines, 2015. Collection method: clinical testing. Allele origin: germline.

PreventionGenetics, part of Exact Sciences
Classification: Likely benign for NBAS-related condition. Last evaluated: 2019-03-08. Review status: no assertion criteria provided. Collection method: clinical testing. Allele origin: germline. Not counted in ClinVar's aggregate classification.
Comment: This variant is classified as likely benign based on ACMG/AMP sequence variant interpretation guidelines (Richards et al. 2015 PMID: 25741868, with internal and published modifications).

NM_015909.4(NBAS):c.1083+10T>C

Gene: NBAS (NBAS subunit of NRZ tethering complex; minus strand). Cytogenetic location: 2p24.3.
Variant type: single nucleotide variant.
Coding change: c.1083+10T>C on transcript NM_015909.4 (MANE Select); 10 bases into the intron after coding-DNA position 1083, T replaced by C.
Molecular consequence: intron variant.
Genome position (GRCh38, 1-based): chr2:15,488,884, A>G on the plus strand (T>C on the coding strand, the complement: NBAS is on the minus strand). VCF-style: chr2-15488884-A-G. GRCh37 (hg19) VCF-style: chr2-15629008-A-G.
Other names: c.1083+10T>C (NM_015909.3).
Identifiers: ClinVar variation 1539841 (VCV001539841.11), dbSNP rs754693247, ClinGen allele CA1536812.